The following is an entry in ClinVar:

ClinVar aggregate classification (germline): Uncertain significance. Review status: criteria provided, multiple submitters, no conflicts (2 of 4 stars). 2 submissions from 2 submitters: Uncertain significance (2). Last evaluated 2026-01-13.

Allele frequency attached by ClinVar (database versions not stated): ExAC 0.00007; TOPMed 0.00017; ESP Exome Variant Server 0.00023.
gnomAD v4.1: 337 of 1,614,014 alleles (0.021%); highest among the groups gnomAD compares: Non-Finnish European, 0.025%; 1 homozygote.

Submissions (2):

Labcorp Genetics (formerly Invitae), Labcorp
Classification: Uncertain significance. Last evaluated: 2026-01-13. Review status: criteria provided, single submitter. Criteria: Invitae Variant Classification Sherloc (09022015). Collection method: clinical testing. Allele origin: germline.
Comment: This sequence change replaces glycine, which is neutral and non-polar, with alanine, which is neutral and non-polar, at codon 1828 of the NIN protein (p.Gly1828Ala). This variant is present in population databases (rs143884545, gnomAD 0.02%). This variant has not been reported in the literature in individuals affected with NIN-related conditions. ClinVar contains an entry for this variant (Variation ID: 2053939). An algorithm developed to predict the effect of missense changes on protein structure and function (PolyPhen-2) suggests that this variant is likely to be disruptive. In summary, the available evidence is currently insufficient to determine the role of this variant in disease. Therefore, it has been classified as a Variant of Uncertain Significance.

Ambry Genetics
Classification: Uncertain significance. Last evaluated: 2024-12-28. Review status: criteria provided, single submitter. Criteria: Ambry Variant Classification Scheme 2023. Collection method: clinical testing. Allele origin: germline.

NM_020921.4(NIN):c.5483G>C (p.Gly1828Ala)

Gene: NIN (ninein; minus strand). Cytogenetic location: 14q22.1.
Variant type: single nucleotide variant.
Coding change: c.5483G>C on transcript NM_020921.4 (MANE Select); coding-DNA position 5483, G replaced by C.
Protein change: p.Gly1828Ala; replaces glycine 1828 with alanine.
Molecular consequence: missense variant.
Genome position (GRCh38, 1-based): chr14:50,739,453, C>G on the plus strand (G>C on the coding strand, the complement: NIN is on the minus strand). VCF-style: chr14-50739453-C-G. GRCh37 (hg19) VCF-style: chr14-51206171-C-G.
Other names: c.3344G>C, p.Gly1115Ala (NM_016350.5); c.5483G>C, p.Gly1828Ala (NM_182944.3, NM_182946.2); short protein forms G1828A, G1115A.
Identifiers: ClinVar variation 2053939 (VCV002053939.6), dbSNP rs143884545, ClinGen allele CA7181252.
Genomic context (GRCh38, chr14:50,739,453, plus strand): 5'-TCCTCATTCATCAGATGATCCAACTTGTCCCAGGACAGCCTTTTCTGCTGGTTATGGAGC[C>G]CTGATGGATGAGTAGCTATCTCTGGGGCCCAGCTCTTAAGAGAATTGCAGAGTGTAAGCC-3'
Protein context (NP_065972.4, residues 1818-1838): WAPEIATHPS[Gly1828Ala]LHNQQKRLSW